The following is an entry in ClinVar:

ClinVar aggregate classification (germline): Pathogenic (1 of 4 stars; one submission).

Conditions:
Ehlers-Danlos syndrome, classic type, 1 (EDSCL1). Also called: EHLERS-DANLOS SYNDROME, GRAVIS TYPE; EHLERS-DANLOS SYNDROME, SEVERE CLASSIC TYPE; Ehlers-Danlos syndrome, type 1; Ehlers-Danlos Syndrome, Classic Type, COL5A1-Related; EDS I. Identifiers: MedGen C0268335, MONDO:0019567, OMIM 130000.
Osteogenesis imperfecta type I (OI1). Also called: OI, TYPE I; OSTEOGENESIS IMPERFECTA TARDA; OSTEOGENESIS IMPERFECTA WITH BLUE SCLERAE; Osteogenesis imperfecta type 1; Lobstein's Disease; Lobstein disease. Identifiers: Orphanet 216796, Orphanet 666, MedGen C0023931, MONDO:0008146, OMIM 166200. Disease mechanism: loss of function.

Submission:

Labcorp Genetics (formerly Invitae), Labcorp
Classification: Pathogenic for Osteogenesis imperfecta type I; Ehlers-Danlos syndrome, classic type, 1. Last evaluated: 2025-06-12. Review status: criteria provided, single submitter. Criteria: Invitae Variant Classification Sherloc (09022015). Collection method: clinical testing. Allele origin: germline.
Comment: This variant, c.2719_2721del, results in the deletion of 1 amino acid(s) of the COL1A2 protein (p.Gly907del), but otherwise preserves the integrity of the reading frame. This variant is not present in population databases (gnomAD no frequency). This variant has not been reported in the literature in individuals affected with COL1A2-related conditions. This variant disrupts the triple helix domain of COL1A2. Glycine residues within the Gly-Xaa-Yaa repeats of the triple helix domain are required for the structure and stability of fibrillar collagens (PMID: 7695699, 8218237, 19344236). In COL1A2, variants affecting these glycine residues are significantly enriched in individuals with disease (PMID: 9016532, 17078022) compared to the general population (ExAC). For these reasons, this variant has been classified as Pathogenic.

Literature cited by the submitters: PubMed 7695699; PubMed 8218237; PubMed 19344236; PubMed 9016532; PubMed 17078022.

NM_000089.4(COL1A2):c.2719_2721del (p.Gly907del)

Gene: COL1A2 (collagen type I alpha 2 chain; plus strand). Cytogenetic location: 7q21.3.
Variant type: Deletion.
Coding change: c.2719_2721del on transcript NM_000089.4 (MANE Select); coding-DNA positions 2719 to 2721, 3 bases deleted (GGT; older notation c.2719_2721delGGT).
Protein change: p.Gly907del; deletes glycine 907.
Genome position (GRCh38, 1-based): chr7:94,425,162-94,425,164, GGT deleted; deleting any 3 consecutive bases within chr7:94,425,160-94,425,164 gives the same sequence; the c. name uses the placement nearest the transcript's 3' end. VCF-style (leftmost placement, unchanged base first): chr7-94425159-CGTG-C. GRCh37 (hg19) VCF-style: chr7-94054471-CGTG-C.
Other names: short protein forms G907del.
Identifiers: ClinVar variation 4785270 (VCV004785270.1).